The following is an entry in ClinVar:

Single allele

Genes: ANO5 (anoctamin 5; plus strand), FANCF (FA complementation group F; minus strand), GAS2 (growth arrest specific 2; plus strand), LINC01495 (long intergenic non-protein coding RNA 1495; minus strand), SLC17A6 (solute carrier family 17 member 6; plus strand) and 8 more. Cytogenetic location: 11p14.3.
Variant type: Deletion.
Identifiers: ClinVar variation 560110 (VCV000560110.3).

ClinVar aggregate classification (germline): Uncertain significance (1 of 4 stars; one submission).

Submission:

Geisinger Autism and Developmental Medicine Institute, Geisinger Health System
Classification: Uncertain significance. Last evaluated: 2018-02-01. Review status: criteria provided, single submitter. Criteria: ACMG CNV Guidelines, 2011. Collection method: provider interpretation. Allele origin: maternal.
Comment: The deletion includes four genes, two of which (FANF and ANO5) are associated with a clinical disorder via autosomal recessive or dominant negative mechanisms.